The following is an entry in ClinVar:

ClinVar aggregate classification (germline): Benign. Review status: criteria provided, multiple submitters, no conflicts (2 of 4 stars). 4 submissions from 4 submitters: Benign (4). Last evaluated 2025-02-01.

Conditions:
Xeroderma pigmentosum, group G (XPG). Also called: XERODERMA PIGMENTOSUM VII; XP, GROUP G; Xeroderma pigmentosum type 7; ERCC5-Related Xeroderma Pigmentosum. Identifiers: MedGen C0268141, MONDO:0010216, OMIM 278780.

Allele frequency attached by ClinVar (database versions not stated): TOPMed 0.07060; 1000 Genomes Project 0.07109; gnomAD 0.07168 and 0.07351; 1000 Genomes Project 30x 0.07277.
gnomAD v4.1: 58,662 of 1,310,150 alleles (4.5%); highest among the groups gnomAD compares: African/African-American, 14%; 1,834 homozygotes.

Submissions (4):

KCCC/NGS Laboratory, Kuwait Cancer Control Center
Classification: Benign for Xeroderma pigmentosum, group G. Last evaluated: 2025-02-01. Review status: criteria provided, single submitter. Criteria: ACMG Guidelines, 2015. Collection method: clinical testing. Allele origin: germline. Affected: no.

GeneDx
Classification: Benign. Last evaluated: 2018-11-11. Review status: criteria provided, single submitter. Criteria: GeneDx Variant Classification Process June 2021. Collection method: clinical testing. Allele origin: germline. Affected: yes.

Illumina Laboratory Services, Illumina
Classification: Benign for Xeroderma pigmentosum, group G. Last evaluated: 2018-01-12. Review status: criteria provided, single submitter. Criteria: ICSL Variant Classification Criteria 13 December 2019. Collection method: clinical testing. Allele origin: germline.
Comment: This variant was observed in the ICSL laboratory as part of a predisposition screen in an ostensibly healthy population. It had not been previously curated by ICSL or reported in the Human Gene Mutation Database (HGMD: prior to June 1st, 2018), and was therefore a candidate for classification through an automated scoring system. Utilizing variant allele frequency, disease prevalence and penetrance estimates, and inheritance mode, an automated score was calculated to assess if this variant is too frequent to cause the disease. Based on the score and internal cut-off values, a variant classified as benign is not then subjected to further curation. The score for this variant resulted in a classification of benign for this disease.

Breakthrough Genomics
Classification: Benign. Review status: criteria provided, single submitter. Criteria: ACMG Guidelines, 2015. Collection method: not provided. Allele origin: germline. Inheritance: Autosomal recessive inheritance. Affected: yes.

NM_000123.4(ERCC5):c.-72C>T

Genes: BIVM-ERCC5 (BIVM-ERCC5 readthrough; plus strand), ERCC5 (ERCC excision repair 5, endonuclease; plus strand). Cytogenetic location: 13q33.1.
Variant type: single nucleotide variant.
Coding change: c.-72C>T on transcript NM_000123.4 (MANE Select); 72 bases upstream of the start codon, C replaced by T.
Molecular consequence: 5 prime UTR variant. On other transcripts: intron variant (1).
Genome position (GRCh38, 1-based): chr13:102,846,195, C>T. VCF-style: chr13-102846195-C-T. GRCh37 (hg19) VCF-style: chr13-103498545-C-T.
Other names: c.1451-5923C>T (NM_001204425.2, NM_001204425.1).
Identifiers: ClinVar variation 310910 (VCV000310910.9), dbSNP rs2296148, ClinGen allele CA10633790.
Genomic context (GRCh38, chr13:102,846,195, plus strand): 5'-TGTATTATTTGCCATCTTTGTTGTGTAGGAGCAGGGAGGGCTTCCTCCCGGGGTCCTAGG[C>T]GGCGGTGCAGTCCGTCGTAGAAGAATTAGAGTAGAAGTTGTCGGGGTCCGCTCTTAGGAC-3'